The following is an entry in ClinVar:

NC_000020.10:g.(?_61978090)_(62562921_?)dup

Genes: ABHD16B (abhydrolase domain containing 16B; plus strand), ARFRP1 (ARF related protein 1; minus strand), CHRNA4 (cholinergic receptor nicotinic alpha 4 subunit; minus strand), DNAJC5 (DnaJ heat shock protein family (Hsp40) member C5; plus strand), EEF1A2 (eukaryotic translation elongation factor 1 alpha 2; minus strand) and 15 more. Cytogenetic location: 20q13.33.
Variant type: Duplication.
Identifiers: ClinVar variation 3248232 (VCV003248232.1).

ClinVar aggregate classification (germline): Uncertain significance. Review status: criteria provided, single submitter (1 of 4 stars). 4 submissions from 1 submitter: Uncertain significance (4). Last evaluated 2024-01-16.

Conditions:
Developmental and epileptic encephalopathy, 33 (DEE33). Also called: Epileptic encephalopathy, early infantile, 33. Identifiers: Orphanet 442835, MedGen C4225337, MONDO:0014625, OMIM 616409.
Developmental and epileptic encephalopathy. Identifiers: MedGen C5779964, MONDO:0100620.
Familial sleep-related hypermotor epilepsy. Also called: Autosomal Dominant Sleep-Related Hypermotor (Hyperkinetic) Epilepsy. Identifiers: Orphanet 98784, MedGen C3696898, MONDO:0000030.
Neuronal ceroid lipofuscinosis. Also called: Neuronal Ceroid Lipofuscinoses. Identifiers: Orphanet 216, Orphanet 79263, MedGen C0027877, MONDO:0016295. Disease mechanism: loss of function.

Submissions (4):

Labcorp Genetics (formerly Invitae), Labcorp
Classification: Uncertain significance for Early-infantile DEE. Last evaluated: 2024-01-16. Review status: criteria provided, single submitter. Criteria: Invitae Variant Classification Sherloc (09022015). Collection method: clinical testing. Allele origin: unknown.
Comment: A copy number gain of the genomic region encompassing the full coding sequence of the KCNQ2 gene has been identified. The boundaries of this event are unknown as they extend beyond the assayed region for this gene and therefore may encompass additional genes. As the precise location of this event is unknown, it may be in tandem or it may be located elsewhere in the genome. Isolated whole-gene copy number gains of KCNQ2 have not been reported in the literature. However, larger copy number events that include this gene have been reported (PMID: 24811917, 25921748, 30866059). Experimental studies and prediction algorithms are not available or were not evaluated, and the functional significance of this variant is currently unknown. In summary, the available evidence is currently insufficient to determine the role of this variant in disease. Therefore, it has been classified as a Variant of Uncertain Significance.

Labcorp Genetics (formerly Invitae), Labcorp
Classification: Uncertain significance for Developmental and epileptic encephalopathy, 33. Last evaluated: 2024-01-16. Review status: criteria provided, single submitter. Criteria: Invitae Variant Classification Sherloc (09022015). Collection method: clinical testing. Allele origin: unknown.
Comment: A copy number gain of the genomic region encompassing the full coding sequence of the EEF1A2 gene has been identified. The boundaries of this event are unknown as they extend beyond the assayed region for this gene and therefore may encompass additional genes. As the precise location of this event is unknown, it may be in tandem or it may be located elsewhere in the genome. Isolated whole-gene copy number gains of EEF1A2 have not been reported in the literature. However, larger copy number events that include this gene have been reported (PMID: 25921748). In summary, the available evidence is currently insufficient to determine the role of this variant in disease. Therefore, it has been classified as a Variant of Uncertain Significance.

Labcorp Genetics (formerly Invitae), Labcorp
Classification: Uncertain significance. Last evaluated: 2024-01-16. Review status: criteria provided, single submitter. Criteria: Invitae Variant Classification Sherloc (09022015). Collection method: clinical testing. Allele origin: unknown.
Comment: A copy number gain of the genomic region encompassing the full coding sequence of the CHRNA4 gene has been identified. The boundaries of this event are unknown as they extend beyond the assayed region for this gene and therefore may encompass additional genes. As the precise location of this event is unknown, it may be in tandem or it may be located elsewhere in the genome. Isolated whole-gene copy number gains of CHRNA4 have not been reported in the literature. However, larger copy number events that include this gene have been reported (PMID: 25921748). Experimental studies and prediction algorithms are not available or were not evaluated, and the functional significance of this variant is currently unknown. In summary, the available evidence is currently insufficient to determine the role of this variant in disease. Therefore, it has been classified as a Variant of Uncertain Significance.

Labcorp Genetics (formerly Invitae), Labcorp
Classification: Uncertain significance for Neuronal ceroid lipofuscinosis. Last evaluated: 2024-01-16. Review status: criteria provided, single submitter. Criteria: Invitae Variant Classification Sherloc (09022015). Collection method: clinical testing. Allele origin: unknown.
Comment: A copy number gain of the genomic region encompassing the full coding sequence of the DNAJC5 gene has been identified. The boundaries of this event are unknown as they extend beyond the assayed region for this gene and therefore may encompass additional genes. As the precise location of this event is unknown, it may be in tandem or it may be located elsewhere in the genome. A similar copy number variant has been observed in individual(s) with DNAJC5-related disease (Invitae). A similar copy number variant has been observed in at least one individual who was not affected with DNAJC5-related conditions (Invitae). Experimental studies and prediction algorithms are not available or were not evaluated, and the functional significance of this variant is currently unknown. In summary, the available evidence is currently insufficient to determine the role of this variant in disease. Therefore, it has been classified as a Variant of Uncertain Significance.

Literature cited by the submitters: PubMed 24811917; PubMed 25921748; PubMed 30866059.